The following is an entry in ClinVar:

NM_013275.6(ANKRD11):c.6403C>T (p.Pro2135Ser)

Gene: ANKRD11 (ankyrin repeat domain 11; minus strand). Cytogenetic location: 16q24.3.
Variant type: single nucleotide variant.
Coding change: c.6403C>T on transcript NM_013275.6 (MANE Select); coding-DNA position 6403, C replaced by T.
Protein change: p.Pro2135Ser; replaces proline 2135 with serine.
Molecular consequence: missense variant.
Genome position (GRCh38, 1-based): chr16:89,280,139, G>A on the plus strand (C>T on the coding strand, the complement: ANKRD11 is on the minus strand). VCF-style: chr16-89280139-G-A. GRCh37 (hg19) VCF-style: chr16-89346547-G-A.
Other names: c.6403C>T, p.Pro2135Ser (NM_001256182.2, NM_001256183.2); c.6403C>T (NM_013275.5); short protein forms P2135S.
Identifiers: ClinVar variation 4830386 (VCV004830386.2).

ClinVar aggregate classification (germline): Uncertain significance. Review status: criteria provided, multiple submitters, no conflicts (2 of 4 stars). 2 submissions from 2 submitters: Uncertain significance (2). Last evaluated 2025-12-29.

Conditions:
ANKRD11-related disorder. Also called: ANKRD11-related condition.
Inborn genetic diseases. Identifiers: MedGen C0950123, MeSH D030342.

gnomAD v4.1: 9 of 1,611,806 alleles (0.00056%); highest among the groups gnomAD compares: African/African-American, 0.0027%; no homozygotes.

Submissions (2):

Ambry Genetics
Classification: Uncertain significance for Inborn genetic diseases. Last evaluated: 2025-12-29. Review status: criteria provided, single submitter. Criteria: Ambry Variant Classification Scheme 2023. Collection method: clinical testing. Allele origin: germline.
Comment: The c.6403C>T (p.P2135S) alteration is located in exon 9 (coding exon 7) of the ANKRD11 gene. This alteration results from a C to T substitution at nucleotide position 6403, causing the proline (P) at amino acid position 2135 to be replaced by a serine (S). Based on data from gnomAD, the T allele has an overall frequency of <0.001% (1/236278) total alleles studied. The highest observed frequency was <0.001% (/) of alleles. Based on insufficient or conflicting evidence, the clinical significance of this alteration remains unclear.

PreventionGenetics, part of Exact Sciences
Classification: Uncertain significance for ANKRD11-related condition. Last evaluated: 2025-03-07. Review status: criteria provided, single submitter. Criteria: ACMG Guidelines, 2015. Collection method: clinical testing. Allele origin: germline.
Comment: The ANKRD11 c.6403C>T variant is predicted to result in the amino acid substitution p.Pro2135Ser. To our knowledge, this variant has not been reported in the literature. This variant is not reported in an established sub-population in gnomAD. At this time, the clinical significance of this variant is uncertain due to the absence of conclusive functional and genetic evidence.